The following is an entry in ClinVar:

NM_000834.5(GRIN2B):c.2572C>T (p.Pro858Ser)

Gene: GRIN2B (glutamate ionotropic receptor NMDA type subunit 2B; minus strand). Cytogenetic location: 12p13.1.
Variant type: single nucleotide variant.
Coding change: c.2572C>T on transcript NM_000834.5 (MANE Select); coding-DNA position 2572, C replaced by T.
Protein change: p.Pro858Ser; replaces proline 858 with serine.
Molecular consequence: missense variant.
Genome position (GRCh38, 1-based): chr12:13,567,051, G>A on the plus strand (C>T on the coding strand, the complement: GRIN2B is on the minus strand). VCF-style: chr12-13567051-G-A. GRCh37 (hg19) VCF-style: chr12-13719985-G-A.
Other names: short protein forms P858S.
Identifiers: ClinVar variation 1304373 (VCV001304373.2), dbSNP rs2136409452, ClinGen allele CA383995979.

ClinVar aggregate classification (germline): Uncertain significance (1 of 4 stars; one submission).

Submission:

GeneDx
Classification: Uncertain significance. Last evaluated: 2019-04-14. Review status: criteria provided, single submitter. Criteria: GeneDx Variant Classification Process June 2021. Collection method: clinical testing. Allele origin: germline. Affected: yes.
Comment: Not observed in large population cohorts (Lek et al., 2016); In silico analysis, which includes protein predictors and evolutionary conservation, supports a deleterious effect; Has not been previously published as pathogenic or benign to our knowledge